The following is an entry in ClinVar:

ClinVar aggregate classification (germline): Likely pathogenic (1 of 4 stars; one submission).

Conditions:
Muscular dystrophy-dystroglycanopathy (congenital with impaired intellectual development), type B, 14. Also called: Congenital muscular dystrophy-dystroglycanopathy with mental retardation, type B14; Muscular dystrophy-dystroglycanopathy (congenital with intellectual disability), type B14; MUSCULAR DYSTROPHY, CONGENITAL, GMPPB-RELATED. Identifiers: MedGen C3809221, MONDO:0014141, OMIM 615351.
Autosomal recessive limb-girdle muscular dystrophy type 2T. Also called: MUSCULAR DYSTROPHY-DYSTROGLYCANOPATHY, LIMB-GIRDLE, GMPPB-RELATED; MUSCULAR DYSTROPHY, LIMB-GIRDLE, TYPE 2T; Muscular dystrophy-dystroglycanopathy (limb-girdle), type c, 14; Limb-girdle muscular dystrophy-dystroglycanopathy, type C14. Identifiers: Orphanet 363623, MedGen C4518000, MONDO:0014142, OMIM 615352.
Muscular dystrophy-dystroglycanopathy (congenital with brain and eye anomalies), type A14. Also called: Congenital muscular dystrophy-dystroglycanopathy with brain and eye anomalies, type A14; WALKER-WARBURG SYNDROME OR MUSCLE-EYE-BRAIN DISEASE, GMPPB-RELATED; Muscular dystrophy-dystroglycanopathy (congenital with brain and eye anomalies), type a, 14; Congenital Muscular Dystrophy-Dystroglycanopathy with Brain and Eye Anomalies Type A 14. Identifiers: Orphanet 588, MedGen C3809216, MONDO:0014140, OMIM 615350.

Allele frequency attached by ClinVar (database versions not stated): gnomAD exomes 0.00001 and below 0.00001; TOPMed 0.00002; ExAC 0.00003; gnomAD 0.00001.
gnomAD v4.1: 6 of 1,584,358 alleles (0.00038%); highest among the groups gnomAD compares: Non-Finnish European, 0.00051%; no homozygotes.

Submission:

Labcorp Genetics (formerly Invitae), Labcorp
Classification: Likely pathogenic for Autosomal recessive limb-girdle muscular dystrophy type 2T; Muscular dystrophy-dystroglycanopathy (congenital with brain and eye anomalies), type A14; Muscular dystrophy-dystroglycanopathy (congenital with impaired intellectual development), type B, 14. Last evaluated: 2024-02-20. Review status: criteria provided, single submitter. Criteria: Invitae Variant Classification Sherloc (09022015). Collection method: clinical testing. Allele origin: germline.
Comment: This sequence change replaces lysine, which is basic and polar, with glutamic acid, which is acidic and polar, at codon 31 of the GMPPB protein (p.Lys31Glu). This variant is present in population databases (rs764625823, gnomAD 0.003%). This missense change has been observed in individual(s) with congenital muscular dystrophy (PMID: 30257713). ClinVar contains an entry for this variant (Variation ID: 1496469). Advanced modeling of protein sequence and biophysical properties (such as structural, functional, and spatial information, amino acid conservation, physicochemical variation, residue mobility, and thermodynamic stability) performed at Invitae indicates that this missense variant is expected to disrupt GMPPB protein function with a positive predictive value of 80%. In summary, the currently available evidence indicates that the variant is pathogenic, but additional data are needed to prove that conclusively. Therefore, this variant has been classified as Likely Pathogenic.

Literature cited by the submitters: PubMed 30257713.

NM_021971.4(GMPPB):c.91A>G (p.Lys31Glu)

Gene: GMPPB (GDP-mannose pyrophosphorylase B; minus strand). Cytogenetic location: 3p21.31.
Variant type: single nucleotide variant.
Coding change: c.91A>G on transcript NM_021971.4 (MANE Select); coding-DNA position 91, A replaced by G.
Protein change: p.Lys31Glu; replaces lysine 31 with glutamic acid.
Molecular consequence: missense variant.
Genome position (GRCh38, 1-based): chr3:49,723,636, T>C on the plus strand (A>G on the coding strand, the complement: GMPPB is on the minus strand). VCF-style: chr3-49723636-T-C. GRCh37 (hg19) VCF-style: chr3-49761069-T-C.
Other names: c.91A>G, p.Lys31Glu (NM_013334.4); short protein forms K31E.
Identifiers: ClinVar variation 1496469 (VCV001496469.8), dbSNP rs764625823, ClinGen allele CA2405704.